The following is an entry in ClinVar:

ClinVar aggregate classification (germline): Uncertain significance. Review status: criteria provided, multiple submitters, no conflicts (2 of 4 stars). 3 submissions from 3 submitters: Uncertain significance (3). Last evaluated 2024-10-07.

Conditions:
Cardiovascular phenotype. Identifiers: MedGen CN230736.
Arrhythmogenic cardiomyopathy with wooly hair and keratoderma. Also called: Arrhythmogenic cardiomyopathy with woolly hair and keratoderma; Dilated cardiomyopathy with woolly hair and keratoderma; PALMOPLANTAR KERATODERMA WITH LEFT VENTRICULAR CARDIOMYOPATHY AND WOOLLY HAIR; Carvajal syndrome. Identifiers: Orphanet 65282, MedGen C1854063, MONDO:0011581, OMIM 605676.

Submissions (3):

Ambry Genetics
Classification: Uncertain significance for Cardiovascular phenotype. Last evaluated: 2024-10-07. Review status: criteria provided, single submitter. Criteria: Ambry Variant Classification Scheme 2023. Collection method: clinical testing. Allele origin: germline.
Comment: The p.A1074E variant (also known as c.3221C>A), located in coding exon 23 of the DSP gene, results from a C to A substitution at nucleotide position 3221. The alanine at codon 1074 is replaced by glutamic acid, an amino acid with dissimilar properties. This amino acid position is not well conserved in available vertebrate species. In addition, the in silico prediction for this alteration is inconclusive. Based on the available evidence, the clinical significance of this variant remains unclear.

All of Us Research Program, National Institutes of Health
Classification: Uncertain significance for Arrhythmogenic cardiomyopathy with wooly hair and keratoderma. Last evaluated: 2024-09-23. Review status: criteria provided, single submitter. Criteria: ACMG Guidelines, 2015. Collection method: clinical testing. Allele origin: germline. Inheritance: Autosomal dominant inheritance. Observed: 1 variant allele, 1 heterozygote.
Comment: This study involves interpretation of variants in research participants for the purpose of population health screening. Participant phenotype was not available at the time of variant classification. Additional details can be found in publication PMID: 35346344, PMCID: PMC8962531

Biesecker Lab/Clinical Genomics Section, National Institutes of Health
Classification: Uncertain significance. Last evaluated: 2013-06-24. Review status: criteria provided, single submitter. Criteria: Ng et al. (Circ Cardiovasc Genet. 2013). Collection method: research. Allele origin: unknown. Observed: 1 variant allele. Study: ClinSeq.
Comment: The study set was not selected for affection status in relation to any cancer. Pathogenicity categories were based on literature curation. See Pubmed ID:23861362 for details.

Medical sequencing

NM_004415.4(DSP):c.3221C>A (p.Ala1074Glu)

Gene: DSP (desmoplakin; plus strand). Cytogenetic location: 6p24.3.
Variant type: single nucleotide variant.
Coding change: c.3221C>A on transcript NM_004415.4 (MANE Select); coding-DNA position 3221, C replaced by A.
Protein change: p.Ala1074Glu; replaces alanine 1074 with glutamic acid.
Molecular consequence: missense variant.
Genome position (GRCh38, 1-based): chr6:7,579,411, C>A. VCF-style: chr6-7579411-C-A. GRCh37 (hg19) VCF-style: chr6-7579644-C-A.
Other names: c.3221C>A, p.Ala1074Glu (NM_001008844.3, NM_001319034.2); c.3221C>A (LRG_423t1); short protein forms A1074E.
Identifiers: ClinVar variation 191638 (VCV000191638.3), dbSNP rs745849763, ClinGen allele CA005778.